The following is an entry in ClinVar:

NM_005751.5(AKAP9):c.15G>T (p.Glu5Asp)

Genes: AKAP9 (A-kinase anchoring protein 9; plus strand), LOC129998788 (ATAC-STARR-seq lymphoblastoid active region 26256; plus strand). Cytogenetic location: 7q21.2.
Variant type: single nucleotide variant.
Coding change: c.15G>T on transcript NM_005751.5 (MANE Select); coding-DNA position 15, G replaced by T.
Protein change: p.Glu5Asp; replaces glutamic acid 5 with aspartic acid.
Molecular consequence: missense variant.
Genome position (GRCh38, 1-based): chr7:91,941,114, G>T. VCF-style: chr7-91941114-G-T. GRCh37 (hg19) VCF-style: chr7-91570428-G-T.
Other names: c.15G>T, p.Glu5Asp (NM_147185.3); short protein forms E5D.
Identifiers: ClinVar variation 2883247 (VCV002883247.3), dbSNP rs2484477604, ClinGen allele CA368119083.

ClinVar aggregate classification (germline): Uncertain significance (1 of 4 stars; one submission).

Conditions:
Long QT syndrome (LQTS). Identifiers: MedGen C0023976, MeSH D008133, MONDO:0002442. Disease mechanism: loss of function. Inheritance: Various modes of inheritance.

gnomAD v4.1: 1 of 1,614,134 alleles (0.000062%); no homozygotes.

Submission:

Labcorp Genetics (formerly Invitae), Labcorp
Classification: Uncertain significance for Long QT syndrome. Last evaluated: 2024-11-14. Review status: criteria provided, single submitter. Criteria: Invitae Variant Classification Sherloc (09022015). Collection method: clinical testing. Allele origin: germline.
Comment: This sequence change replaces glutamic acid, which is acidic and polar, with aspartic acid, which is acidic and polar, at codon 5 of the AKAP9 protein (p.Glu5Asp). This variant is not present in population databases (gnomAD no frequency). This variant has not been reported in the literature in individuals affected with AKAP9-related conditions. ClinVar contains an entry for this variant (Variation ID: 2883247). An algorithm developed to predict the effect of missense changes on protein structure and function (PolyPhen-2) suggests that this variant is likely to be disruptive. In summary, the available evidence is currently insufficient to determine the role of this variant in disease. Therefore, it has been classified as a Variant of Uncertain Significance.